The following is an entry in ClinVar:

ClinVar aggregate classification (germline): Uncertain significance (1 of 4 stars; one submission).

gnomAD v4.1: 1 of 1,614,096 alleles (0.000062%); highest among the groups gnomAD compares: Admixed American, 0.0017%; no homozygotes.

Submission:

Labcorp Genetics (formerly Invitae), Labcorp
Classification: Uncertain significance. Last evaluated: 2025-08-06. Review status: criteria provided, single submitter. Criteria: Invitae Variant Classification Sherloc (09022015). Collection method: clinical testing. Allele origin: germline.
Comment: This sequence change replaces serine, which is neutral and polar, with leucine, which is neutral and non-polar, at codon 333 of the BLK protein (p.Ser333Leu). This variant is not present in population databases (gnomAD no frequency). This variant has not been reported in the literature in individuals affected with BLK-related conditions. An algorithm developed to predict the effect of missense changes on protein structure and function (PolyPhen-2) suggests that this variant is likely to be tolerated. In summary, the available evidence is currently insufficient to determine the role of this variant in disease. Therefore, it has been classified as a Variant of Uncertain Significance.

NM_001715.3(BLK):c.998C>T (p.Ser333Leu)

Genes: BLK (BLK proto-oncogene, Src family tyrosine kinase), BLK-AS1 (BLK antisense RNA 1). Cytogenetic location: 8p23.1.
Variant type: single nucleotide variant.
Coding change: c.998C>T on transcript NM_001715.3 (MANE Select); coding-DNA position 998, C replaced by T.
Protein change: p.Ser333Leu; replaces serine 333 with leucine.
Molecular consequence: missense variant.
Genome position (GRCh38, 1-based): chr8:11,558,007, C>T. VCF-style: chr8-11558007-C-T. GRCh37 (hg19) VCF-style: chr8-11415516-C-T.
Other names: c.785C>T, p.Ser262Leu (NM_001330465.2); short protein forms S262L, S333L.
Identifiers: ClinVar variation 4697331 (VCV004697331.1).